The following is an entry in ClinVar:

NM_014795.4(ZEB2):c.205G>A (p.Glu69Lys)

Gene: ZEB2 (zinc finger E-box binding homeobox 2; minus strand). Cytogenetic location: 2q22.3.
Variant type: single nucleotide variant.
Coding change: c.205G>A on transcript NM_014795.4 (MANE Select); coding-DNA position 205, G replaced by A.
Protein change: p.Glu69Lys; replaces glutamic acid 69 with lysine.
Molecular consequence: missense variant.
Genome position (GRCh38, 1-based): chr2:144,429,895, C>T on the plus strand (G>A on the coding strand, the complement: ZEB2 is on the minus strand). VCF-style: chr2-144429895-C-T. GRCh37 (hg19) VCF-style: chr2-145187462-C-T.
Other names: c.205G>A, p.Glu69Lys (NM_001171653.2); short protein forms E69K.
Identifiers: ClinVar variation 2016594 (VCV002016594.4), dbSNP rs1183158315, ClinGen allele CA348718838.
Genomic context (GRCh38, chr2:144,429,895, plus strand): 5'-TTATTTCATCTTCCTCTTCCTCTCTTGGCAACAGAGCTTGGCTCACGTGTGGGGAGGACT[C>T]ATGGTTGGGCACACTAGCTGGACTCGTCTCCTGGTCCAGAGGGTTGGCAATACCGTCATC-3'
Protein context (NP_055610.1, residues 59-79): ETSPASVPNH[Glu69Lys]SSPHVSQALL

ClinVar aggregate classification (germline): Uncertain significance (1 of 4 stars; one submission).

Conditions:
Mowat-Wilson syndrome (MOWS). Also called: Classic Mowat-Wilson Syndrome. Identifiers: Orphanet 2152, MedGen C1856113, MONDO:0009341, OMIM 235730.

Allele frequency attached by ClinVar (database versions not stated): gnomAD exomes below 0.00001; TOPMed below 0.00001.
gnomAD v4.1: 1 of 1,613,808 alleles (0.000062%); highest among the groups gnomAD compares: Non-Finnish European, 0.000085%; no homozygotes.

Submission:

Labcorp Genetics (formerly Invitae), Labcorp
Classification: Uncertain significance for Mowat-Wilson syndrome. Last evaluated: 2022-07-13. Review status: criteria provided, single submitter. Criteria: Invitae Variant Classification Sherloc (09022015). Collection method: clinical testing. Allele origin: germline.
Comment: In summary, the available evidence is currently insufficient to determine the role of this variant in disease. Therefore, it has been classified as a Variant of Uncertain Significance. Algorithms developed to predict the effect of missense changes on protein structure and function (SIFT, PolyPhen-2, Align-GVGD) all suggest that this variant is likely to be tolerated. This variant has not been reported in the literature in individuals affected with ZEB2-related conditions. This variant is present in population databases (no rsID available, gnomAD 0.0009%). This sequence change replaces glutamic acid, which is acidic and polar, with lysine, which is basic and polar, at codon 69 of the ZEB2 protein (p.Glu69Lys).